The following is an entry in ClinVar:

NM_000494.4(COL17A1):c.192C>A (p.Tyr64Ter)

Gene: COL17A1 (collagen type XVII alpha 1 chain; minus strand). Cytogenetic location: 10q25.1.
Variant type: single nucleotide variant.
Coding change: c.192C>A on transcript NM_000494.4 (MANE Select); coding-DNA position 192, C replaced by A.
Protein change: p.Tyr64Ter; replaces tyrosine 64 with a stop codon.
Molecular consequence: nonsense.
Genome position (GRCh38, 1-based): chr10:104,077,432, G>T on the plus strand (C>A on the coding strand, the complement: COL17A1 is on the minus strand). VCF-style: chr10-104077432-G-T. GRCh37 (hg19) VCF-style: chr10-105837190-G-T.
Other names: short protein forms Y64*.
Identifiers: ClinVar variation 2745143 (VCV002745143.3), dbSNP rs1213569173, ClinGen allele CA378081843.
Genomic context (GRCh38, chr10:104,077,432, plus strand): 5'-TCTCTTTGTCACCCATTCTTCCCTGACCTCTTGCACTAGTGGGCACTCACTTGAGTTTAT[G>T]TAGCCGCTGCTGCCATGAGTCAGGCTTTGTTTCTCCAGCCGGCTCCCTCCACCAAGAGAG-3'

ClinVar aggregate classification (germline): Pathogenic (1 of 4 stars; one submission).

Submission:

Labcorp Genetics (formerly Invitae), Labcorp
Classification: Pathogenic. Last evaluated: 2023-07-19. Review status: criteria provided, single submitter. Criteria: Invitae Variant Classification Sherloc (09022015). Collection method: clinical testing. Allele origin: germline.
Comment: For these reasons, this variant has been classified as Pathogenic. This variant has not been reported in the literature in individuals affected with COL17A1-related conditions. This variant is not present in population databases (gnomAD no frequency). This sequence change creates a premature translational stop signal (p.Tyr64*) in the COL17A1 gene. It is expected to result in an absent or disrupted protein product. Loss-of-function variants in COL17A1 are known to be pathogenic (PMID: 16473856, 17344927, 20301304, 21357940, 24319098).

Literature cited by the submitters: PubMed 16473856; PubMed 17344927; PubMed 20301304; PubMed 21357940; PubMed 24319098.